The following is an entry in ClinVar:

NM_002470.4(MYH3):c.173G>C (p.Gly58Ala)

Gene: MYH3 (myosin heavy chain 3; minus strand). Cytogenetic location: 17p13.1.
Variant type: single nucleotide variant.
Coding change: c.173G>C on transcript NM_002470.4 (MANE Select); coding-DNA position 173, G replaced by C.
Protein change: p.Gly58Ala; replaces glycine 58 with alanine.
Molecular consequence: missense variant.
Genome position (GRCh38, 1-based): chr17:10,654,892, C>G on the plus strand (G>C on the coding strand, the complement: MYH3 is on the minus strand). VCF-style: chr17-10654892-C-G. GRCh37 (hg19) VCF-style: chr17-10558209-C-G.
Other names: short protein forms G58A.
Identifiers: ClinVar variation 3632759 (VCV003632759.2).

ClinVar aggregate classification (germline): Uncertain significance (1 of 4 stars; one submission).

Submission:

Labcorp Genetics (formerly Invitae), Labcorp
Classification: Uncertain significance. Last evaluated: 2024-10-13. Review status: criteria provided, single submitter. Criteria: Invitae Variant Classification Sherloc (09022015). Collection method: clinical testing. Allele origin: germline.
Comment: This sequence change replaces glycine, which is neutral and non-polar, with alanine, which is neutral and non-polar, at codon 58 of the MYH3 protein (p.Gly58Ala). This variant is not present in population databases (gnomAD no frequency). This variant has not been reported in the literature in individuals affected with MYH3-related conditions. Invitae Evidence Modeling of protein sequence and biophysical properties (such as structural, functional, and spatial information, amino acid conservation, physicochemical variation, residue mobility, and thermodynamic stability) indicates that this missense variant is not expected to disrupt MYH3 protein function with a negative predictive value of 95%. In summary, the available evidence is currently insufficient to determine the role of this variant in disease. Therefore, it has been classified as a Variant of Uncertain Significance.